The following is an entry in ClinVar:

ClinVar aggregate classification (germline): Uncertain significance. Review status: criteria provided, multiple submitters, no conflicts (2 of 4 stars). 4 submissions from 4 submitters: Uncertain significance (4). Last evaluated 2025-06-12.

Conditions:
Cardiovascular phenotype. Identifiers: MedGen CN230736.
Arrhythmogenic right ventricular dysplasia 9 (ARVD9). Also called: Arrhythmogenic Right Ventricular Dysplasia/Cardiomyopathy 9; ARRHYTHMOGENIC RIGHT VENTRICULAR DYSPLASIA, FAMILIAL, 9. Identifiers: MedGen C1836906, MONDO:0012180, OMIM 609040.
Cardiomyopathy (CMYO). Also called: Cardiomyopathies. Identifiers: Orphanet 167848, MedGen C0878544, MONDO:0004994, HP:0001638. Inheritance: Various modes of inheritance.

Submissions (4):

GeneDx
Classification: Uncertain significance. Last evaluated: 2025-06-12. Review status: criteria provided, single submitter. Criteria: GeneDx Variant Classification Process June 2021. Collection method: clinical testing. Allele origin: germline. Affected: yes.
Comment: Not observed at significant frequency in large population cohorts (gnomAD); In silico analysis supports that this missense variant has a deleterious effect on protein structure/function; Has not been previously published as pathogenic or benign to our knowledge

Color Diagnostics, LLC DBA Color Health
Classification: Uncertain significance for Cardiomyopathy. Last evaluated: 2024-03-06. Review status: criteria provided, single submitter. Criteria: ACMG Guidelines, 2015. Collection method: clinical testing. Allele origin: germline.
Comment: This missense variant replaces methionine with leucine at codon 576 of the PKP2 protein. Computational prediction suggests that this variant may not impact protein structure and function (internally defined REVEL score threshold <= 0.5, PMID: 27666373). Splice site prediction tools suggest that this variant may not impact RNA splicing. To our knowledge, functional studies have not been performed for this variant. This variant has not been reported in individuals affected with cardiovascular disorders in the literature. This variant has not been identified in the general population by the Genome Aggregation Database (gnomAD). The available evidence is insufficient to determine the role of this variant in disease conclusively. Therefore, this variant is classified as a Variant of Uncertain Significance.

Labcorp Genetics (formerly Invitae), Labcorp
Classification: Uncertain significance for Arrhythmogenic right ventricular dysplasia 9. Last evaluated: 2023-06-15. Review status: criteria provided, single submitter. Criteria: Invitae Variant Classification Sherloc (09022015). Collection method: clinical testing. Allele origin: germline.
Comment: This sequence change replaces methionine, which is neutral and non-polar, with leucine, which is neutral and non-polar, at codon 576 of the PKP2 protein (p.Met576Leu). This variant is not present in population databases (gnomAD no frequency). This variant has not been reported in the literature in individuals affected with PKP2-related conditions. ClinVar contains an entry for this variant (Variation ID: 920655). An algorithm developed to predict the effect of missense changes on protein structure and function (PolyPhen-2) suggests that this variant is likely to be tolerated. In summary, the available evidence is currently insufficient to determine the role of this variant in disease. Therefore, it has been classified as a Variant of Uncertain Significance.

Ambry Genetics
Classification: Uncertain significance for Cardiovascular phenotype. Last evaluated: 2022-03-06. Review status: criteria provided, single submitter. Criteria: Ambry Variant Classification Scheme 2023. Collection method: clinical testing. Allele origin: germline.
Comment: The p.M576L variant (also known as c.1726A>T), located in coding exon 8 of the PKP2 gene, results from an A to T substitution at nucleotide position 1726. The methionine at codon 576 is replaced by leucine, an amino acid with highly similar properties. This amino acid position is conserved. In addition, the in silico prediction for this alteration is inconclusive. Since supporting evidence is limited at this time, the clinical significance of this alteration remains unclear.

NM_001005242.3(PKP2):c.1594A>T (p.Met532Leu)

Gene: PKP2 (plakophilin 2; minus strand). Cytogenetic location: 12p11.21.
Variant type: single nucleotide variant.
Coding change: c.1594A>T on transcript NM_001005242.3 (MANE Select); coding-DNA position 1594, A replaced by T.
Protein change: p.Met532Leu; replaces methionine 532 with leucine.
Molecular consequence: missense variant.
Genome position (GRCh38, 1-based): chr12:32,824,125, T>A on the plus strand (A>T on the coding strand, the complement: PKP2 is on the minus strand). VCF-style: chr12-32824125-T-A. GRCh37 (hg19) VCF-style: chr12-32977059-T-A.
Other names: c.1726A>T, p.Met576Leu (NM_004572.4); short protein forms M532L, M576L.
Identifiers: ClinVar variation 920655 (VCV000920655.11), dbSNP rs1298544159, ClinGen allele CA384364980.